The following is an entry in ClinVar:

ClinVar aggregate classification (germline): Uncertain significance (1 of 4 stars; one submission).

Conditions:
Autoimmune interstitial lung disease-arthritis syndrome. Also called: Autoinflammation and autoimmunity, systemic, with immune dysregulation. Identifiers: Orphanet 444092, MedGen C5975714, MONDO:0014629.

Allele frequency attached by ClinVar (database versions not stated): gnomAD exomes below 0.00001.
gnomAD v4.1: 1 of 1,607,322 alleles (0.000062%); highest among the groups gnomAD compares: African/African-American, 0.0013%; no homozygotes.

Submission:

Labcorp Genetics (formerly Invitae), Labcorp
Classification: Uncertain significance for Autoimmune interstitial lung disease-arthritis syndrome. Last evaluated: 2021-02-19. Review status: criteria provided, single submitter. Criteria: Invitae Variant Classification Sherloc (09022015). Collection method: clinical testing. Allele origin: germline.
Comment: In summary, the available evidence is currently insufficient to determine the role of this variant in disease. Therefore, it has been classified as a Variant of Uncertain Significance. Advanced modeling of protein sequence and biophysical properties (such as structural, functional, and spatial information, amino acid conservation, physicochemical variation, residue mobility, and thermodynamic stability) performed at Invitae indicates that this missense variant is not expected to disrupt COPA protein function. This variant has not been reported in the literature in individuals with COPA-related conditions. This variant is not present in population databases (ExAC no frequency). This sequence change replaces methionine with valine at codon 234 of the COPA protein (p.Met234Val). The methionine residue is highly conserved and there is a small physicochemical difference between methionine and valine.

NM_004371.4(COPA):c.700A>G (p.Met234Val)

Gene: COPA (coat protein complex I subunit alpha; minus strand). Cytogenetic location: 1q23.2.
Variant type: single nucleotide variant.
Coding change: c.700A>G on transcript NM_004371.4 (MANE Select); coding-DNA position 700, A replaced by G.
Protein change: p.Met234Val; replaces methionine 234 with valine.
Molecular consequence: missense variant.
Genome position (GRCh38, 1-based): chr1:160,323,437, T>C on the plus strand (A>G on the coding strand, the complement: COPA is on the minus strand). VCF-style: chr1-160323437-T-C. GRCh37 (hg19) VCF-style: chr1-160293227-T-C.
Other names: c.700A>G, p.Met234Val (NM_001098398.2); short protein forms M234V.
Identifiers: ClinVar variation 1472152 (VCV001472152.8), dbSNP rs2101860133, ClinGen allele CA343266614.